The following is an entry in ClinVar:

NM_001286615.2(ANO4):c.2174T>C (p.Ile725Thr)

Gene: ANO4 (anoctamin 4). Cytogenetic location: 12q23.1.
Variant type: single nucleotide variant.
Coding change: c.2174T>C on transcript NM_001286615.2 (MANE Select); coding-DNA position 2174, T replaced by C.
Protein change: p.Ile725Thr; replaces isoleucine 725 with threonine.
Molecular consequence: missense variant.
Genome position (GRCh38, 1-based): chr12:101,110,428, T>C. VCF-style: chr12-101110428-T-C. GRCh37 (hg19) VCF-style: chr12-101504206-T-C.
Other names: c.2174T>C, p.Ile725Thr (NM_001286616.1); c.2069T>C, p.Ile690Thr (NM_178826.4); short protein forms I690T, I725T.
Identifiers: ClinVar variation 3068501 (VCV003068501.3), dbSNP rs200708403, ClinGen allele CA6740730.
Genomic context (GRCh38, chr12:101,110,428, plus strand): 5'-AATACTCTCTGCTCTTTTTCCTTTTTTCTTTTCTAGTTCTTCAGTTTGGATTCACAACTA[T>C]CTTTGTGGCAGCTTTTCCCCTAGCACCACTTCTGGCCTTACTGAATAACATAATTGAAAT-3'
Protein context (NP_001273544.1, residues 715-735): EMILQFGFTT[Ile725Thr]FVAAFPLAPL

ClinVar aggregate classification (germline): Likely pathogenic (0 of 4 stars; one submission).

Conditions:
Temporal lobe epilepsy. Identifiers: Orphanet 98819, MedGen C0014556, MONDO:0005115.

Allele frequency attached by ClinVar (database versions not stated): gnomAD exomes below 0.00001; ExAC 0.00001; gnomAD 0.00001; TOPMed 0.00001.
gnomAD v4.1: 6 of 1,609,772 alleles (0.00037%); highest among the groups gnomAD compares: Non-Finnish European, 0.00051%; no homozygotes.

Submission:

Institute of Medical Genetics, University of Zurich
Classification: Likely pathogenic for Temporal lobe epilepsy. Last evaluated: 2024-03-26. Review status: no assertion criteria provided. Collection method: research, in vitro. Allele origin: inherited. Affected: yes. Observed: 1 variant allele. Functional consequence: Severe decrease in peak current due to reduction in conductance.
Comment: based on the results of functional testing and known reduced penetrance we consider this variant as likely pathogenic